The following is an entry in ClinVar:

NM_018129.4(PNPO):c.*272T>G

Gene: PNPO (pyridoxamine 5'-phosphate oxidase; plus strand). Cytogenetic location: 17q21.32.
Variant type: single nucleotide variant.
Coding change: c.*272T>G on transcript NM_018129.4 (MANE Select); 272 bases downstream of the stop codon, T replaced by G.
Molecular consequence: 3 prime UTR variant.
Genome position (GRCh38, 1-based): chr17:47,947,054, T>G. VCF-style: chr17-47947054-T-G. GRCh37 (hg19) VCF-style: chr17-46024420-T-G.
Identifiers: ClinVar variation 323914 (VCV000323914.5), dbSNP rs189065288, ClinGen allele CA10646051.

ClinVar aggregate classification (germline): Likely benign (1 of 4 stars; one submission).

Conditions:
Pyridoxal phosphate-responsive seizures (PNPOD). Also called: Pyridoxal 5'-Phosphate (PLP)-Dependent Epilepsy; EPILEPTIC ENCEPHALOPATHY, NEONATAL, PNPO-RELATED; Pyridoxamine 5-Prime-Phosphate Oxidase Deficiency; Pyridoxine-5'-phosphate oxidase deficiency; SEIZURES, PYRIDOXINE-RESISTANT, PLP-SENSITIVE. Identifiers: Orphanet 79096, MedGen C1864723, MONDO:0012407, OMIM 610090. Disease mechanism: loss of function.

Allele frequency attached by ClinVar (database versions not stated): 1000 Genomes Project 0.00080; 1000 Genomes Project 30x 0.00109; gnomAD 0.00144 and 0.00150; TOPMed 0.00154; gnomAD exomes 0.00157.
gnomAD v4.1: 690 of 448,456 alleles (0.15%); highest among the groups gnomAD compares: Admixed American, 0.23%; 1 homozygote.

Submission:

Illumina Laboratory Services, Illumina
Classification: Likely benign for Pyridoxal phosphate-responsive seizures. Last evaluated: 2018-01-13. Review status: criteria provided, single submitter. Criteria: ICSL Variant Classification Criteria 13 December 2019. Collection method: clinical testing. Allele origin: germline.
Comment: This variant was observed in the ICSL laboratory as part of a predisposition screen in an ostensibly healthy population. It had not been previously curated by ICSL or reported in the Human Gene Mutation Database (HGMD: prior to June 1st, 2018), and was therefore a candidate for classification through an automated scoring system. Utilizing variant allele frequency, disease prevalence and penetrance estimates, and inheritance mode, an automated score was calculated to assess if this variant is too frequent to cause the disease. Based on the score and internal cut-off values, a variant classified as likely benign is not then subjected to further curation. The score for this variant resulted in a classification of likely benign for this disease.